The following is an entry in ClinVar:

NM_002436.4(MPP1):c.922G>A (p.Glu308Lys)

Gene: MPP1 (MAGUK p55 scaffold protein 1; minus strand). Cytogenetic location: Xq28.
Variant type: single nucleotide variant.
Coding change: c.922G>A on transcript NM_002436.4 (MANE Select); coding-DNA position 922, G replaced by A.
Protein change: p.Glu308Lys; replaces glutamic acid 308 with lysine.
Molecular consequence: missense variant.
Genome position (GRCh38, 1-based): chrX:154,783,451, C>T on the plus strand (G>A on the coding strand, the complement: MPP1 is on the minus strand). VCF-style: chrX-154783451-C-T. GRCh37 (hg19) VCF-style: chrX-154011726-C-T.
Other names: c.871G>A, p.Glu291Lys (NM_001166460.2); c.862G>A, p.Glu288Lys (NM_001166461.2); c.832G>A, p.Glu278Lys (NM_001166462.2); short protein forms E291K, E308K, E288K, E278K.
Identifiers: ClinVar variation 4828226 (VCV004828226.1).

ClinVar aggregate classification (germline): Uncertain significance (1 of 4 stars; one submission).

gnomAD v4.1: 8 of 1,208,392 alleles (0.00066%); highest among the groups gnomAD compares: African/African-American, 0.014%; no homozygotes.

Submission:

Ambry Genetics
Classification: Uncertain significance. Last evaluated: 2026-03-11. Review status: criteria provided, single submitter. Criteria: Ambry Variant Classification Scheme 2023. Collection method: clinical testing. Allele origin: germline.
Comment: The c.922G>A (p.E308K) alteration is located in exon 9 (coding exon 9) of the MPP1 gene. This alteration results from a G to A substitution at nucleotide position 922, causing the glutamic acid (E) at amino acid position 308 to be replaced by a lysine (K). Based on data from gnomAD, the A allele has an overall frequency of 0.001% (2/201326) total alleles studied. The highest observed frequency was 0.011% (2/18727) of African alleles. Based on insufficient or conflicting evidence, the clinical significance of this alteration remains unclear.